The following is an entry in ClinVar:

ClinVar aggregate classification (germline): Pathogenic. Review status: criteria provided, multiple submitters, no conflicts (2 of 4 stars). 4 submissions from 4 submitters: Pathogenic (3). 1 of the submissions does not count toward it. Last evaluated 2023-05-19.

Conditions:
Hearing loss, autosomal recessive. Also called: Autosomal recessive nonsyndromic deafness; Nonsyndromic Hearing Loss, Recessive; Rare autosomal recessive non-syndromic sensorineural deafness type DFNB; Deafness, autosomal recessive. Identifiers: Orphanet 90635, Orphanet 90636, MedGen C1846647, MONDO:0019588, OMIM 607197.
TMPRSS3-related disorder. Also called: TMPRSS3-related condition.

Allele frequency attached by ClinVar (database versions not stated): gnomAD exomes 0.00001 and 0.00002; TOPMed 0.00001; ExAC 0.00002.
gnomAD v4.1: 15 of 1,614,166 alleles (0.00093%); highest among the groups gnomAD compares: Non-Finnish European, 0.0011%; no homozygotes.

Submissions (4):

Labcorp Genetics (formerly Invitae), Labcorp
Classification: Pathogenic. Last evaluated: 2023-05-19. Review status: criteria provided, single submitter. Criteria: Invitae Variant Classification Sherloc (09022015). Collection method: clinical testing. Allele origin: germline.
Comment: For these reasons, this variant has been classified as Pathogenic. ClinVar contains an entry for this variant (Variation ID: 996721). This premature translational stop signal has been observed in individual(s) with deafness (PMID: 26226137, 30303587). This variant is present in population databases (rs199903164, gnomAD 0.004%). This sequence change creates a premature translational stop signal (p.Arg91*) in the TMPRSS3 gene. It is expected to result in an absent or disrupted protein product. Loss-of-function variants in TMPRSS3 are known to be pathogenic (PMID: 16021470, 26969326).

Clinical Genetics Laboratory, Skane University Hospital Lund
Classification: Pathogenic. Last evaluated: 2022-05-27. Review status: criteria provided, single submitter. Criteria: ACMG Guidelines, 2015. Collection method: clinical testing. Allele origin: germline. Affected: yes.

Blueprint Genetics
Classification: Pathogenic for TMPRSS3-related disorders. Last evaluated: 2017-06-07. Review status: criteria provided, single submitter. Criteria: ACMG Guidelines, 2015. Collection method: clinical testing. Allele origin: germline. Affected: yes. Observed: 1 variant allele.

University of Washington Center for Mendelian Genomics, University of Washington
Classification: Likely pathogenic for non-syndromic autosomal recessive hearing loss. Review status: no assertion criteria provided. Collection method: research. Allele origin: inherited. Affected: yes. Not counted in ClinVar's aggregate classification.

Literature cited by the submitters: PubMed 26226137 (cited by Labcorp Genetics (formerly Invitae), Labcorp); PubMed 30303587 (cited by Labcorp Genetics (formerly Invitae), Labcorp and University of Washington Center for Mendelian Genomics, University of Washington); PubMed 16021470 (cited by Labcorp Genetics (formerly Invitae), Labcorp); PubMed 26969326 (cited by Labcorp Genetics (formerly Invitae), Labcorp).

NM_001256317.3(TMPRSS3):c.271C>T (p.Arg91Ter)

Gene: TMPRSS3 (transmembrane serine protease 3; minus strand). Cytogenetic location: 21q22.3.
Variant type: single nucleotide variant.
Coding change: c.271C>T on transcript NM_001256317.3 (MANE Select); coding-DNA position 271, C replaced by T.
Protein change: p.Arg91Ter; replaces arginine 91 with a stop codon.
Molecular consequence: nonsense. On other transcripts: 5 prime UTR variant (1).
Genome position (GRCh38, 1-based): chr21:42,388,980, G>A on the plus strand (C>T on the coding strand, the complement: TMPRSS3 is on the minus strand). VCF-style: chr21-42388980-G-A. GRCh37 (hg19) VCF-style: chr21-43809089-G-A.
Other names: c.271C>T, p.Arg91Ter (NM_032405.2, NM_024022.4); c.-111C>T (NM_032404.3); short protein forms R91*.
Identifiers: ClinVar variation 996721 (VCV000996721.6), dbSNP rs199903164, ClinGen allele CA10042696.